The following is an entry in ClinVar:

NM_001369.3(DNAH5):c.11566_11567insTATAAGAGACAGT (p.Ala3856delinsValTer)

Gene: DNAH5 (dynein axonemal heavy chain 5; minus strand). Cytogenetic location: 5p15.2.
Variant type: Insertion.
Coding change: c.11566_11567insTATAAGAGACAGT on transcript NM_001369.3 (MANE Select); coding-DNA positions 11566 to 11567, TATAAGAGACAGT inserted.
Protein change: p.Ala3856delinsValTer.
Molecular consequence: nonsense.
Genome position: GRCh38 VCF-style: chr5-13735821-G-GACTGTCTCTTATA. GRCh37 (hg19) VCF-style: chr5-13735930-G-GACTGTCTCTTATA.
Identifiers: ClinVar variation 5010987 (VCV005010987.1).

ClinVar aggregate classification (germline): Pathogenic (1 of 4 stars; one submission).

Conditions:
Primary ciliary dyskinesia 3. Identifiers: Orphanet 244, MedGen C1837618, MONDO:0012085, OMIM 608644.

Submission:

Myriad Genetics, Inc.
Classification: Pathogenic for Primary ciliary dyskinesia 3. Last evaluated: 2024-05-14. Review status: criteria provided, single submitter. Criteria: Myriad Autosomal Dominant, Autosomal Recessive and X-Linked Classification Criteria (2023). Collection method: clinical testing. Allele origin: unknown.
Comment: NM_001369.2(DNAH5):c.11566_11567ins13(A3856Vfs*2) is expected to be pathogenic in the context of primary ciliary dyskinesia, DNAH5-related. This variant is predicted to lead to an abnormal or absent protein product due to the creation of a premature termination codon in DNAH5, a gene where loss-of-function variants are known to be pathogenic. Please note: this variant was assessed in the context of healthy population screening.